The following is an entry in ClinVar:

ClinVar aggregate classification (germline): Uncertain significance (1 of 4 stars; one submission).

Submission:

Ambry Genetics
Classification: Uncertain significance. Last evaluated: 2025-09-07. Review status: criteria provided, single submitter. Criteria: Ambry Variant Classification Scheme 2023. Collection method: clinical testing. Allele origin: germline.
Comment: The p.E169D variant (also known as c.507G>C), located in coding exon 1 of the MLH3 gene, results from a G to C substitution at nucleotide position 507. The glutamic acid at codon 169 is replaced by aspartic acid, an amino acid with highly similar properties. This amino acid position is conserved. In addition, the in silico prediction for this alteration is inconclusive. Based on the available evidence, the clinical significance of this variant remains unclear.

NM_001040108.2(MLH3):c.507G>C (p.Glu169Asp)

Gene: MLH3 (mutL homolog 3; minus strand). Cytogenetic location: 14q24.3.
Variant type: single nucleotide variant.
Coding change: c.507G>C on transcript NM_001040108.2 (MANE Select); coding-DNA position 507, G replaced by C.
Protein change: p.Glu169Asp; replaces glutamic acid 169 with aspartic acid.
Molecular consequence: missense variant.
Genome position (GRCh38, 1-based): chr14:75,049,149, C>G on the plus strand (G>C on the coding strand, the complement: MLH3 is on the minus strand). VCF-style: chr14-75049149-C-G. GRCh37 (hg19) VCF-style: chr14-75515852-C-G.
Other names: c.507G>C, p.Glu169Asp (NM_014381.3); short protein forms E169D.
Identifiers: ClinVar variation 4108687 (VCV004108687.1).
Genomic context (GRCh38, chr14:75,049,149, plus strand): 5'-CAAAGAGAAAGAAATGGAAGGGTGCATGAGTGAGAGAGCTTCTATTCTCTGCCTAACCTT[C>G]TCAAACTCCAGTCTAGGGTCCATGCATTTCCTCCTTACAGGAAGCTGGTAAAATAGGTTA-3'
Protein context (NP_001035197.1, residues 159-179): RKCMDPRLEF[Glu169Asp]KVRQRIEALS